The following is an entry in ClinVar:

ClinVar aggregate classification (germline): Pathogenic (1 of 4 stars; one submission).

Conditions:
Phenylketonuria (PKU). Also called: OLIGOPHRENIA PHENYLPYRUVICA; Phenylketonurias; Phenylketonuria (PKU); FOLLING DISEASE. Identifiers: Orphanet 716, MedGen C0031485, MONDO:0009861, OMIM 261600. Disease mechanism: loss of function.

Submission:

Labcorp Genetics (formerly Invitae), Labcorp
Classification: Pathogenic for Phenylketonuria. Last evaluated: 2023-06-07. Review status: criteria provided, single submitter. Criteria: Invitae Variant Classification Sherloc (09022015). Collection method: clinical testing. Allele origin: germline.
Comment: For these reasons, this variant has been classified as Pathogenic. This variant has been observed in individual(s) with phenylketonuria (PMID: 18985011). This variant results in the deletion of exon 6 and part of exon 5 (c.456_706+138del) of the PAH gene. It is expected to disrupt RNA splicing. Variants that disrupt the donor or acceptor splice site typically lead to a loss of protein function (PMID: 16199547), and loss-of-function variants in PAH are known to be pathogenic (PMID: 1301187, 9634518).

Literature cited by the submitters: PubMed 18985011; PubMed 16199547; PubMed 1301187; PubMed 9634518.

NC_000012.11:g.(?_103248776)_(103260427_?)del

Gene: PAH (phenylalanine hydroxylase; minus strand). Cytogenetic location: 12q23.2.
Variant type: Deletion.
Identifiers: ClinVar variation 2422791 (VCV002422791.4).